The following is an entry in ClinVar:

ClinVar aggregate classification (germline): Uncertain significance (1 of 4 stars; one submission).

Submission:

Ambry Genetics
Classification: Uncertain significance. Last evaluated: 2023-01-02. Review status: criteria provided, single submitter. Criteria: Ambry Variant Classification Scheme 2023. Collection method: clinical testing. Allele origin: germline.
Comment: The p.H534R variant (also known as c.1601A>G), located in coding exon 16 of the KIF1B gene, results from an A to G substitution at nucleotide position 1601. The histidine at codon 534 is replaced by arginine, an amino acid with highly similar properties. This amino acid position is conserved. In addition, this alteration is predicted to be deleterious by in silico analysis. Since supporting evidence is limited at this time, the clinical significance of this alteration remains unclear.

NM_001365951.3(KIF1B):c.1739A>G (p.His580Arg)

Gene: KIF1B (kinesin family member 1B; plus strand). Cytogenetic location: 1p36.22.
Variant type: single nucleotide variant.
Coding change: c.1739A>G on transcript NM_001365951.3 (MANE Select); coding-DNA position 1739, A replaced by G.
Protein change: p.His580Arg; replaces histidine 580 with arginine.
Molecular consequence: missense variant.
Genome position (GRCh38, 1-based): chr1:10,295,728, A>G. VCF-style: chr1-10295728-A-G. GRCh37 (hg19) VCF-style: chr1-10355786-A-G.
Other names: c.1739A>G, p.His580Arg (NM_001365952.1); c.1601A>G, p.His534Arg (NM_001365953.1, NM_015074.3, NM_183416.4); short protein forms H534R, H580R.
Identifiers: ClinVar variation 2448745 (VCV002448745.2), dbSNP rs2521391036, ClinGen allele CA338315041.